The following is an entry in ClinVar:

ClinVar aggregate classification (germline): Pathogenic. Review status: reviewed by expert panel (3 of 4 stars). 5 submissions from 5 submitters: Pathogenic (1). 4 of the submissions do not count toward it. Last evaluated 2016-09-08.

Conditions:
Hereditary cancer-predisposing syndrome. Also called: Tumor predisposition; Hereditary neoplastic syndrome; Neoplastic Syndromes, Hereditary; Hereditary Cancer Syndrome. Identifiers: Orphanet 140162, MedGen C0027672, MeSH D009386, MONDO:0015356.
Hereditary breast ovarian cancer syndrome. Also called: Hereditary breast and ovarian cancer; Breast and ovarian cancer; BRCA1- and BRCA2-Associated Hereditary Breast and Ovarian Cancer; Hereditary breast and ovarian cancer syndrome; Hereditary breast and ovarian cancer syndrome (HBOC); Hereditary breast and/or ovarian cancer syndrome. Identifiers: Orphanet 145, MedGen C0677776, MeSH D061325, MONDO:0003582. Disease mechanism: loss of function.
Ovarian neoplasm. Also called: Neoplasm of ovary; Ovarian tumor; Ovarian Neoplasms. Identifiers: MedGen C0919267, MeSH D010051, MONDO:0021068, HP:0100615.
Breast-ovarian cancer, familial, susceptibility to, 2 (BROVCA2). Also called: BRCA2 Hereditary Breast and Ovarian Cancer. Identifiers: Orphanet 145, MedGen C2675520, MONDO:0012933, OMIM 612555. Disease mechanism: loss of function.
Familial cancer of breast. Also called: BREAST CANCER, FAMILIAL; hereditary breast carcinoma; Hereditary breast cancer. Identifiers: Orphanet 227535, MedGen C0346153, MONDO:0016419, OMIM 114480. Disease mechanism: loss of function.

Submissions (5):

Evidence-based Network for the Interpretation of Germline Mutant Alleles (ENIGMA)
Classification: Pathogenic for Breast-ovarian cancer, familial, susceptibility to, 2. Last evaluated: 2016-09-08. Review status: reviewed by expert panel. Criteria: ENIGMA BRCA1/2 Classification Criteria (2015). Collection method: curation. Allele origin: germline.
Comment: Variant allele predicted to encode a truncated non-functional protein.

Ambry Genetics
Classification: Pathogenic for Hereditary cancer-predisposing syndrome. Last evaluated: 2025-12-16. Review status: criteria provided, single submitter. Criteria: Ambry Variant Classification Scheme 2023. Collection method: clinical testing. Allele origin: germline. Not counted in ClinVar's aggregate classification.
Comment: The c.5496dupT pathogenic mutation, located in coding exon 10 of the BRCA2 gene, results from a duplication of T at nucleotide position 5496, causing a translational frameshift with a predicted alternate stop codon (p.N1833*). This variant is considered to be rare based on population cohorts in the Genome Aggregation Database (gnomAD). This alteration is expected to result in loss of function by premature protein truncation or nonsense-mediated mRNA decay. As such, this alteration is interpreted as a disease-causing mutation.

Baylor Genetics
Classification: Likely pathogenic for Familial cancer of breast. Last evaluated: 2022-01-19. Review status: criteria provided, single submitter. Criteria: ACMG Guidelines, 2015. Collection method: clinical testing. Allele origin: unknown. Not counted in ClinVar's aggregate classification.

Labcorp Genetics (formerly Invitae), Labcorp
Classification: Pathogenic for Hereditary breast ovarian cancer syndrome. Last evaluated: 2020-07-30. Review status: criteria provided, single submitter. Criteria: Invitae Variant Classification Sherloc (09022015). Collection method: clinical testing. Allele origin: germline. Not counted in ClinVar's aggregate classification.
Comment: For these reasons, this variant has been classified as Pathogenic. Loss-of-function variants in BRCA2 are known to be pathogenic (PMID: 20104584). This variant has been reported in individuals in the Leiden Open-source Variation Database (PMID: 21520333). ClinVar contains an entry for this variant (Variation ID: 187597). This variant is not present in population databases (ExAC no frequency). This sequence change creates a premature translational stop signal (p.Asn1833*) in the BRCA2 gene. It is expected to result in an absent or disrupted protein product.

German Consortium for Hereditary Breast and Ovarian Cancer, University Hospital Cologne
Classification: Pathogenic for Ovarian neoplasm. Last evaluated: 2018-12-01. Review status: no assertion criteria provided. Collection method: research. Allele origin: germline. Affected: yes. Not counted in ClinVar's aggregate classification.

Literature cited by the submitters: PubMed 20104584 (cited by Labcorp Genetics (formerly Invitae), Labcorp); PubMed 21520333 (cited by Labcorp Genetics (formerly Invitae), Labcorp).

NM_000059.4(BRCA2):c.5496dup (p.Asn1833Ter)

Gene: BRCA2 (BRCA2 DNA repair associated; plus strand). Cytogenetic location: 13q13.1.
Variant type: Duplication.
Coding change: c.5496dup on transcript NM_000059.4 (MANE Select); coding-DNA position 5496, one base duplicated (T; older notation c.5496dupT).
Protein change: p.Asn1833Ter; replaces asparagine 1833 with a stop codon.
Molecular consequence: nonsense.
Genome position (GRCh38, 1-based): chr13:32,339,851, T duplicated. VCF-style (leftmost placement, unchanged base first): chr13-32339850-C-CT. GRCh37 (hg19) VCF-style: chr13-32913987-C-CT.
Other names: c.5496dupT (NM_000059.3); short protein forms N1833*.
Identifiers: ClinVar variation 187597 (VCV000187597.21), dbSNP rs786203853, ClinGen allele CA198047.